The following is an entry in ClinVar:

NM_014000.3(VCL):c.458C>T (p.Thr153Ile)

Gene: VCL (vinculin; plus strand). Cytogenetic location: 10q22.2.
Variant type: single nucleotide variant.
Coding change: c.458C>T on transcript NM_014000.3 (MANE Select); coding-DNA position 458, C replaced by T.
Protein change: p.Thr153Ile; replaces threonine 153 with isoleucine.
Molecular consequence: missense variant.
Genome position (GRCh38, 1-based): chr10:74,071,042, C>T. VCF-style: chr10-74071042-C-T. GRCh37 (hg19) VCF-style: chr10-75830800-C-T.
Other names: c.458C>T, p.Thr153Ile (NM_003373.4); short protein forms T153I.
Identifiers: ClinVar variation 468822 (VCV000468822.7), dbSNP rs1554816691, ClinGen allele CA377266616.

ClinVar aggregate classification (germline): Uncertain significance. Review status: criteria provided, multiple submitters, no conflicts (2 of 4 stars). 3 submissions from 3 submitters: Uncertain significance (3). Last evaluated 2025-10-23.

Conditions:
Hypertrophic cardiomyopathy 15. Identifiers: MedGen C2750459, MONDO:0013200, OMIM 613255.
Dilated cardiomyopathy 1W (CMD1W). Identifiers: Orphanet 154, MedGen C1969639, MONDO:0012667, OMIM 611407.
Cardiovascular phenotype. Identifiers: MedGen CN230736.

Allele frequency attached by ClinVar (database versions not stated): gnomAD exomes below 0.00001.
gnomAD v4.1: 1 of 1,614,096 alleles (0.000062%); highest among the groups gnomAD compares: Non-Finnish European, 0.000085%; no homozygotes.

Submissions (3):

Ambry Genetics
Classification: Uncertain significance for Cardiovascular phenotype. Last evaluated: 2025-10-23. Review status: criteria provided, single submitter. Criteria: Ambry Variant Classification Scheme 2023. Collection method: clinical testing. Allele origin: germline.
Comment: The p.T153I variant (also known as c.458C>T), located in coding exon 4 of the VCL gene, results from a C to T substitution at nucleotide position 458. The threonine at codon 153 is replaced by isoleucine, an amino acid with similar properties. This amino acid position is conserved. In addition, this alteration is predicted to be tolerated by in silico analysis. Based on the available evidence, the clinical significance of this variant remains unclear.

Labcorp Genetics (formerly Invitae), Labcorp
Classification: Uncertain significance for Dilated cardiomyopathy 1W. Last evaluated: 2021-08-28. Review status: criteria provided, single submitter. Criteria: Invitae Variant Classification Sherloc (09022015). Collection method: clinical testing. Allele origin: germline.

Center for Genomics, Ann and Robert H. Lurie Children's Hospital of Chicago
Classification: Uncertain significance for Dilated cardiomyopathy 1W; Hypertrophic cardiomyopathy 15. Review status: criteria provided, single submitter. Criteria: ACMG Guidelines, 2015. Collection method: clinical testing. Allele origin: germline.
Comment: VCL NM_014000.2 exon 4 p.Thr153Ile (c.458C>T): This variant has not been reported in the literature and is not present in large control databases. This variant is present in ClinVar (Variation ID:468822). Evolutionary conservation and computational predictive tools suggest that this variant may impact the protein. In summary, data on this variant is insufficient for disease classification. Therefore, the clinical significance of this variant is uncertain.